The following is an entry in ClinVar:

ClinVar aggregate classification (germline): Benign/Likely benign. Review status: criteria provided, multiple submitters, no conflicts (2 of 4 stars). 3 submissions from 3 submitters: Benign (1); Likely benign (2). Last evaluated 2025-03-27.

Conditions:
Peutz-Jeghers syndrome (PJS). Also called: Peutz-Jeghers polyposis; Periorificial lentiginosis syndrome; POLYPOSIS, HAMARTOMATOUS INTESTINAL; POLYPS-AND-SPOTS SYNDROME. Identifiers: Orphanet 2869, MedGen C0031269, MeSH D010580, MONDO:0008280, OMIM 175200.
Hereditary cancer-predisposing syndrome. Also called: Neoplastic Syndromes, Hereditary; Hereditary Cancer Syndrome; Hereditary neoplastic syndrome; Tumor predisposition. Identifiers: Orphanet 140162, MedGen C0027672, MeSH D009386, MONDO:0015356.

Allele frequency attached by ClinVar (database versions not stated): TOPMed below 0.00001.

Submissions (3):

Myriad Genetics, Inc.
Classification: Benign for Peutz-Jeghers syndrome. Last evaluated: 2025-03-27. Review status: criteria provided, single submitter. Criteria: Myriad Autosomal Dominant, Autosomal Recessive and X-Linked Classification Criteria (2023). Collection method: clinical testing. Allele origin: unknown.
Comment: This variant is considered benign. This variant is a silent/synonymous amino acid change and it is not expected to impact splicing.

Labcorp Genetics (formerly Invitae), Labcorp
Classification: Likely benign for Peutz-Jeghers syndrome. Last evaluated: 2023-05-04. Review status: criteria provided, single submitter. Criteria: Invitae Variant Classification Sherloc (09022015). Collection method: clinical testing. Allele origin: germline.

Ambry Genetics
Classification: Likely benign for Hereditary cancer-predisposing syndrome. Last evaluated: 2018-10-02. Review status: criteria provided, single submitter. Criteria: Ambry Variant Classification Scheme 2023. Collection method: clinical testing. Allele origin: germline.

NM_000455.5(STK11):c.675C>T (p.Ala225=)

Gene: STK11 (serine/threonine kinase 11; plus strand). Cytogenetic location: 19p13.3.
Variant type: single nucleotide variant.
Coding change: c.675C>T on transcript NM_000455.5 (MANE Select); coding-DNA position 675, C replaced by T.
Protein change: p.Ala225=; no amino-acid change (alanine 225 retained).
Molecular consequence: synonymous variant.
Genome position (GRCh38, 1-based): chr19:1,220,658, C>T. VCF-style: chr19-1220658-C-T. GRCh37 (hg19) VCF-style: chr19-1220657-C-T.
Identifiers: ClinVar variation 826604 (VCV000826604.8), dbSNP rs1599926917, ClinGen allele CA504892263.